The following is an entry in ClinVar:

ClinVar aggregate classification (germline): Likely benign. Review status: criteria provided, multiple submitters, no conflicts (2 of 4 stars). 2 submissions from 2 submitters: Likely benign (2). Last evaluated 2025-05-01.

Conditions:
Intellectual disability. Also called: Intellectual functioning disability; intellectual disabilities; Intellectual developmental disorder. Identifiers: MedGen C3714756, MeSH D008607, MONDO:0001071, HP:0001249.

Allele frequency attached by ClinVar (database versions not stated): gnomAD 0.00007; TOPMed 0.00007; ESP Exome Variant Server 0.00008; ExAC 0.00009; gnomAD exomes 0.00011.
gnomAD v4.1: 169 of 1,610,846 alleles (0.01%); highest among the groups gnomAD compares: Middle Eastern, 0.017%; no homozygotes.

Submissions (2):

CeGaT Center for Human Genetics Tuebingen
Classification: Likely benign. Last evaluated: 2025-05-01. Review status: criteria provided, single submitter. Criteria: CeGaT Center For Human Genetics Tuebingen Variant Classification Criteria Version 2. Collection method: clinical testing. Allele origin: germline. Affected: yes. Observed: 6 variant alleles.
Comment: CUX2: BP4

Cambridge Genomics Laboratory, East Genomic Laboratory Hub, NHS Genomic Medicine Service
Classification: Likely benign for Intellectual disability. Last evaluated: 2020-05-29. Review status: criteria provided, single submitter. Criteria: ACGS Best Practice Guidelines for Variant Classification in Rare Disease 2020. Collection method: clinical testing. Allele origin: germline. Affected: yes. Observed: 1 variant allele.

NM_015267.4(CUX2):c.323C>T (p.Ala108Val)

Gene: CUX2 (cut like homeobox 2; plus strand). Cytogenetic location: 12q24.11.
Variant type: single nucleotide variant.
Coding change: c.323C>T on transcript NM_015267.4 (MANE Select); coding-DNA position 323, C replaced by T.
Protein change: p.Ala108Val; replaces alanine 108 with valine.
Molecular consequence: missense variant.
Genome position (GRCh38, 1-based): chr12:111,291,439, C>T. VCF-style: chr12-111291439-C-T. GRCh37 (hg19) VCF-style: chr12-111729243-C-T.
Other names: c.137C>T, p.Ala46Val (NM_001370598.1); short protein forms A108V, A46V.
Identifiers: ClinVar variation 2643291 (VCV002643291.25), dbSNP rs377178903, ClinGen allele CA6788320.